The following is an entry in ClinVar:

NM_182493.3(MYLK3):c.2449A>G (p.Thr817Ala)

Gene: MYLK3 (myosin light chain kinase 3; minus strand). Cytogenetic location: 16q11.2.
Variant type: single nucleotide variant.
Coding change: c.2449A>G on transcript NM_182493.3 (MANE Select); coding-DNA position 2449, A replaced by G.
Protein change: p.Thr817Ala; replaces threonine 817 with alanine.
Molecular consequence: missense variant.
Genome position (GRCh38, 1-based): chr16:46,707,715, T>C on the plus strand (A>G on the coding strand, the complement: MYLK3 is on the minus strand). VCF-style: chr16-46707715-T-C. GRCh37 (hg19) VCF-style: chr16-46741627-T-C.
Other names: c.1426A>G, p.Thr476Ala (NM_001308301.1); short protein forms T476A, T817A.
Identifiers: ClinVar variation 1920391 (VCV001920391.5), dbSNP rs1326359679, ClinGen allele CA395785150.

ClinVar aggregate classification (germline): Uncertain significance (1 of 4 stars; one submission).

Allele frequency attached by ClinVar (database versions not stated): TOPMed below 0.00001; gnomAD 0.00001.
gnomAD v4.1: 6 of 1,612,032 alleles (0.00037%); highest among the groups gnomAD compares: African/African-American, 0.0013%; no homozygotes.

Submission:

Labcorp Genetics (formerly Invitae), Labcorp
Classification: Uncertain significance. Last evaluated: 2024-08-21. Review status: criteria provided, single submitter. Criteria: Invitae Variant Classification Sherloc (09022015). Collection method: clinical testing. Allele origin: germline.
Comment: This sequence change replaces threonine, which is neutral and polar, with alanine, which is neutral and non-polar, at codon 817 of the MYLK3 protein (p.Thr817Ala). This variant is present in population databases (no rsID available, gnomAD 0.01%). This variant has not been reported in the literature in individuals affected with MYLK3-related conditions. ClinVar contains an entry for this variant (Variation ID: 1920391). An algorithm developed to predict the effect of missense changes on protein structure and function outputs the following: PolyPhen-2: "Benign". The alanine amino acid residue is found in multiple mammalian species, which suggests that this missense change does not adversely affect protein function. In summary, the available evidence is currently insufficient to determine the role of this variant in disease. Therefore, it has been classified as a Variant of Uncertain Significance.